The following is an entry in ClinVar:

ClinVar aggregate classification (germline): Uncertain significance (1 of 4 stars; one submission).

Submission:

Labcorp Genetics (formerly Invitae), Labcorp
Classification: Uncertain significance. Last evaluated: 2021-09-01. Review status: criteria provided, single submitter. Criteria: Invitae Variant Classification Sherloc (09022015). Collection method: clinical testing. Allele origin: germline.
Comment: This sequence change replaces asparagine with lysine at codon 1268 of the ADGRV1 protein (p.Asn1268Lys). The asparagine residue is weakly conserved and there is a moderate physicochemical difference between asparagine and lysine. This variant is not present in population databases (ExAC no frequency). This variant has not been reported in the literature in individuals affected with ADGRV1-related conditions. Algorithms developed to predict the effect of missense changes on protein structure and function are either unavailable or do not agree on the potential impact of this missense change (SIFT: "Deleterious"; PolyPhen-2: "Benign"; Align-GVGD: "Class C0"). In summary, the available evidence is currently insufficient to determine the role of this variant in disease. Therefore, it has been classified as a Variant of Uncertain Significance.

NM_032119.4(ADGRV1):c.3804C>A (p.Asn1268Lys)

Gene: ADGRV1 (adhesion G protein-coupled receptor V1; plus strand). Cytogenetic location: 5q14.3.
Variant type: single nucleotide variant.
Coding change: c.3804C>A on transcript NM_032119.4 (MANE Select); coding-DNA position 3804, C replaced by A.
Protein change: p.Asn1268Lys; replaces asparagine 1268 with lysine.
Molecular consequence: missense variant. On other transcripts: non-coding transcript variant (1).
Genome position (GRCh38, 1-based): chr5:90,653,378, C>A. VCF-style: chr5-90653378-C-A. GRCh37 (hg19) VCF-style: chr5-89949195-C-A.
Other names: short protein forms N1268K.
Identifiers: ClinVar variation 835032 (VCV000835032.7), dbSNP rs1768919951, ClinGen allele CA360399133.